The following is an entry in ClinVar:

ClinVar aggregate classification (germline): Uncertain significance (1 of 4 stars; one submission).

Conditions:
Hereditary cancer-predisposing syndrome. Also called: Neoplastic Syndromes, Hereditary; Tumor predisposition; Hereditary neoplastic syndrome; Hereditary Cancer Syndrome. Identifiers: Orphanet 140162, MedGen C0027672, MeSH D009386, MONDO:0015356.

Submission:

Ambry Genetics
Classification: Uncertain significance for Hereditary cancer-predisposing syndrome. Last evaluated: 2019-03-06. Review status: criteria provided, single submitter. Criteria: Ambry Variant Classification Scheme 2023. Collection method: clinical testing. Allele origin: germline.
Comment: The p.S24W variant (also known as c.71C>G), located in coding exon 1 of the PHOX2B gene, results from a C to G substitution at nucleotide position 71. The serine at codon 24 is replaced by tryptophan, an amino acid with highly dissimilar properties. This amino acid position is highly conserved in available vertebrate species. In addition, this alteration is predicted to be deleterious by in silico analysis. Since supporting evidence is limited at this time, the clinical significance of this alteration remains unclear.

NM_003924.4(PHOX2B):c.71C>G (p.Ser24Trp)

Genes: PHOX2B (paired like homeobox 2B; minus strand), PHOX2B-AS1 (PHOX2B antisense RNA 1; plus strand). Cytogenetic location: 4p13.
Variant type: single nucleotide variant.
Coding change: c.71C>G on transcript NM_003924.4 (MANE Select); coding-DNA position 71, C replaced by G.
Protein change: p.Ser24Trp; replaces serine 24 with tryptophan.
Molecular consequence: missense variant.
Genome position (GRCh38, 1-based): chr4:41,748,540, G>C on the plus strand (C>G on the coding strand, the complement: PHOX2B is on the minus strand). VCF-style: chr4-41748540-G-C. GRCh37 (hg19) VCF-style: chr4-41750557-G-C.
Other names: short protein forms S24W.
Identifiers: ClinVar variation 826902 (VCV000826902.4), dbSNP rs1577561345, ClinGen allele CA356741165.